The following is an entry in ClinVar:

NM_000352.6(ABCC8):c.1261G>A (p.Val421Ile)

Gene: ABCC8 (ATP binding cassette subfamily C member 8; minus strand). Cytogenetic location: 11p15.1.
Variant type: single nucleotide variant.
Coding change: c.1261G>A on transcript NM_000352.6 (MANE Select); coding-DNA position 1261, G replaced by A.
Protein change: p.Val421Ile; replaces valine 421 with isoleucine.
Molecular consequence: missense variant. On other transcripts: non-coding transcript variant (1).
Genome position (GRCh38, 1-based): chr11:17,448,587, C>T on the plus strand (G>A on the coding strand, the complement: ABCC8 is on the minus strand). VCF-style: chr11-17448587-C-T. GRCh37 (hg19) VCF-style: chr11-17470134-C-T.
Other names: c.1261G>A, p.Val421Ile (NM_001287174.3, NM_001351295.2); c.1258G>A, p.Val420Ile (NM_001351296.2, NM_001351297.2); short protein forms V420I, V421I.
Identifiers: ClinVar variation 991056 (VCV000991056.5), dbSNP rs1591846104, ClinGen allele CA379768648.

ClinVar aggregate classification (germline): Uncertain significance. Review status: criteria provided, multiple submitters, no conflicts (2 of 4 stars). 4 submissions from 3 submitters: Uncertain significance (3). 1 of the submissions does not count toward it. Last evaluated 2025-01-27.

Conditions:
Transitory neonatal diabetes mellitus. Also called: Transient neonatal diabetes mellitus. Identifiers: MedGen C0342273, MONDO:0020525, HP:0008255.
Maturity-onset diabetes of the young (MODY). Also called: Maturity onset diabetes mellitus in young. Identifiers: Orphanet 552, MedGen C0342276, MONDO:0018911, HP:0004904.
Hereditary hyperinsulinism.

Submissions (4):

Women's Health and Genetics/Laboratory Corporation of America, LabCorp
Classification: Uncertain significance. Last evaluated: 2025-01-27. Review status: criteria provided, single submitter. Criteria: LabCorp Variant Classification Summary - May 2015. Collection method: clinical testing. Allele origin: germline.
Comment: Variant summary: ABCC8 c.1261G>A (p.Val421Ile) results in a conservative amino acid change located in the ABC transporter transmembrane region (IPR036640) of the encoded protein sequence. Three of five in-silico tools predict a benign effect of the variant on protein function. The variant was absent in 251482 control chromosomes. The available data on variant occurrences in the general population are insufficient to allow any conclusion about variant significance. Segregation was not established for either of these cases. These report(s) do not provide unequivocal conclusions about association of the variant with Neonatal Diabetes Mellitus/Maturity Onset Diabetes Of The Young. To our knowledge, no experimental evidence demonstrating an impact on protein function has been reported. The following publications have been ascertained in the context of this evaluation (PMID: 35333605). ClinVar contains an entry for this variant (Variation ID: 991056). Based on the evidence outlined above, the variant was classified as uncertain significance.

Clinical Genomics, Uppaluri K&H Personalized Medicine Clinic
Classification: Uncertain significance for Transitory neonatal diabetes mellitus. Review status: criteria provided, single submitter. Criteria: K & H Uppaluri Personalized Medicine Clinic Variant Classification & Assertion Criteria_Updated V.1. Collection method: research. Allele origin: unknown. Inheritance: Somatic mutation.
Comment: Mutations in ABCC8 gene are associated with both neonatal diabetes mellitus as well as MODY. Patients with this mutation may have a better response to sulfonylureas. However, no sufficient evidence is found to ascertain the role of this particular variant ( rs1591846104) in neonatal diabetes yet.

Clinical Genomics, Uppaluri K&H Personalized Medicine Clinic
Classification: Uncertain significance for Maturity-onset diabetes of the young. Review status: criteria provided, single submitter. Criteria: K & H Uppaluri Personalized Medicine Clinic Variant Classification & Assertion Criteria_Updated V.1. Collection method: research. Allele origin: unknown. Inheritance: Somatic mutation.
Comment: Mutations in ABCC8 gene are associated with both neonatal diabetes mellitus as well as MODY. Patients with this mutation may have a better response to sulfonylureas. However, no sufficient evidence is found to ascertain the role of this particular variant ( rs1591846104) in MODY yet.

Natera, Inc.
Classification: Uncertain significance for Hereditary hyperinsulinism. Last evaluated: 2020-08-14. Review status: no assertion criteria provided. Collection method: clinical testing. Allele origin: germline. Not counted in ClinVar's aggregate classification.

Literature cited by the submitters: PubMed 35333605 (cited by Women's Health and Genetics/Laboratory Corporation of America, LabCorp); PubMed 16885549 (cited by Clinical Genomics, Uppaluri K&H Personalized Medicine Clinic); PubMed 21989597 (cited by Clinical Genomics, Uppaluri K&H Personalized Medicine Clinic); PubMed 27538677 (cited by Clinical Genomics, Uppaluri K&H Personalized Medicine Clinic); PubMed 18981553 (cited by Clinical Genomics, Uppaluri K&H Personalized Medicine Clinic); PubMed 32027066 (cited by Clinical Genomics, Uppaluri K&H Personalized Medicine Clinic); PubMed 16613899 (cited by Clinical Genomics, Uppaluri K&H Personalized Medicine Clinic); PubMed 18025408 (cited by Clinical Genomics, Uppaluri K&H Personalized Medicine Clinic); PubMed 32792356 (cited by Clinical Genomics, Uppaluri K&H Personalized Medicine Clinic).